The following is an entry in ClinVar:

ClinVar aggregate classification (germline): Uncertain significance (1 of 4 stars; one submission).

Conditions:
Spastic paraplegia. Identifiers: MedGen C0037772, HP:0001258.

Allele frequency attached by ClinVar (database versions not stated): gnomAD 0.00001; TOPMed 0.00001; gnomAD exomes 0.00002; ExAC 0.00001.
gnomAD v4.1: 36 of 1,613,952 alleles (0.0022%); highest among the groups gnomAD compares: Non-Finnish European, 0.0029%; no homozygotes.

Submission:

Labcorp Genetics (formerly Invitae), Labcorp
Classification: Uncertain significance for Spastic paraplegia. Last evaluated: 2025-08-25. Review status: criteria provided, single submitter. Criteria: Invitae Variant Classification Sherloc (09022015). Collection method: clinical testing. Allele origin: germline.
Comment: This sequence change replaces serine, which is neutral and polar, with glycine, which is neutral and non-polar, at codon 577 of the KIF5A protein (p.Ser577Gly). This variant is present in population databases (rs754373609, gnomAD 0.0009%). This missense change has been observed in individuals with amyotrophic lateral sclerosis (PMID: 29342275, 33829936). ClinVar contains an entry for this variant (Variation ID: 2730164). Invitae Evidence Modeling of protein sequence and biophysical properties (such as structural, functional, and spatial information, amino acid conservation, physicochemical variation, residue mobility, and thermodynamic stability) indicates that this missense variant is not expected to disrupt KIF5A protein function with a negative predictive value of 95%. In summary, the available evidence is currently insufficient to determine the role of this variant in disease. Therefore, it has been classified as a Variant of Uncertain Significance.

Literature cited by the submitters: PubMed 29342275; PubMed 33829936.

NM_004984.4(KIF5A):c.1729A>G (p.Ser577Gly)

Gene: KIF5A (kinesin family member 5A; plus strand). Cytogenetic location: 12q13.3.
Variant type: single nucleotide variant.
Coding change: c.1729A>G on transcript NM_004984.4 (MANE Select); coding-DNA position 1729, A replaced by G.
Protein change: p.Ser577Gly; replaces serine 577 with glycine.
Molecular consequence: missense variant.
Genome position (GRCh38, 1-based): chr12:57,575,096, A>G. VCF-style: chr12-57575096-A-G. GRCh37 (hg19) VCF-style: chr12-57968879-A-G.
Other names: c.1462A>G, p.Ser488Gly (NM_001354705.2); short protein forms S488G, S577G.
Identifiers: ClinVar variation 2730164 (VCV002730164.3), dbSNP rs754373609, ClinGen allele CA6652914.